The following is an entry in ClinVar:

NM_001286555.3(DUSP22):c.*1913T>A

Gene: DUSP22 (dual specificity phosphatase 22; plus strand). Cytogenetic location: 6p25.3.
Variant type: single nucleotide variant.
Coding change: c.*1913T>A on transcript NM_001286555.3 (MANE Select); 1913 bases downstream of the stop codon, T replaced by A.
Molecular consequence: 3 prime UTR variant. On other transcripts: missense variant (1), non-coding transcript variant (3).
Genome position (GRCh38, 1-based): chr6:350,864, T>A. VCF-style: chr6-350864-T-A. GRCh37 (hg19) VCF-style: chr6-350864-T-A.
Other names: c.551T>A, p.Leu184Gln (NM_020185.6); c.551T>A (NM_020185.3); short protein forms L184Q.
Identifiers: ClinVar variation 3351853 (VCV003351853.2).

ClinVar aggregate classification (germline): Uncertain significance. Review status: criteria provided, single submitter (1 of 4 stars). 2 submissions from 2 submitters: Uncertain significance (1). 1 of the submissions does not count toward it. Last evaluated 2024-11-20.

Conditions:
DUSP22-related disorder. Also called: DUSP22-related condition.

gnomAD v4.1: 19 of 1,614,120 alleles (0.0012%); highest among the groups gnomAD compares: Non-Finnish European, 0.0015%; no homozygotes.

Submissions (2):

Ambry Genetics
Classification: Uncertain significance. Last evaluated: 2024-11-20. Review status: criteria provided, single submitter. Criteria: Ambry Variant Classification Scheme 2023. Collection method: clinical testing. Allele origin: germline.

PreventionGenetics, part of Exact Sciences
Classification: Uncertain significance for DUSP22-related condition. Last evaluated: 2024-08-28. Review status: no assertion criteria provided. Collection method: clinical testing. Allele origin: germline. Not counted in ClinVar's aggregate classification.
Comment: The DUSP22 c.551T>A variant is predicted to result in the amino acid substitution p.Leu184Gln. To our knowledge, this variant has not been reported in the literature. This variant is reported in 0.0026% of alleles in individuals of European (Non-Finnish) descent in gnomAD. At this time, the clinical significance of this variant is uncertain due to the absence of conclusive functional and genetic evidence.